The following is an entry in ClinVar:

NM_000059.4(BRCA2):c.3334A>G (p.Thr1112Ala)

Gene: BRCA2 (BRCA2 DNA repair associated; plus strand). Cytogenetic location: 13q13.1.
Variant type: single nucleotide variant.
Coding change: c.3334A>G on transcript NM_000059.4 (MANE Select); coding-DNA position 3334, A replaced by G.
Protein change: p.Thr1112Ala; replaces threonine 1112 with alanine.
Molecular consequence: missense variant. On other transcripts: non-coding transcript variant (1), intron variant (2).
Genome position (GRCh38, 1-based): chr13:32,337,689, A>G. VCF-style: chr13-32337689-A-G. GRCh37 (hg19) VCF-style: chr13-32911826-A-G.
Other names: c.3334A>G, p.Thr1112Ala (NM_001406719.1, NM_001406720.1, NM_001432077.1); c.1909+4302A>G (NM_001406721.1); c.424+6659A>G (NM_001406722.1); short protein forms T1112A.
Identifiers: ClinVar variation 3825465 (VCV003825465.1).

ClinVar aggregate classification (germline): Uncertain significance (1 of 4 stars; one submission).

Conditions:
Hereditary cancer-predisposing syndrome. Also called: Hereditary neoplastic syndrome; Neoplastic Syndromes, Hereditary; Tumor predisposition; Hereditary Cancer Syndrome. Identifiers: Orphanet 140162, MedGen C0027672, MeSH D009386, MONDO:0015356.

Submission:

Ambry Genetics
Classification: Uncertain significance for Hereditary cancer-predisposing syndrome. Last evaluated: 2025-03-11. Review status: criteria provided, single submitter. Criteria: Ambry Variant Classification Scheme 2023. Collection method: clinical testing. Allele origin: germline.
Comment: The p.T1112A variant (also known as c.3334A>G), located in coding exon 10 of the BRCA2 gene, results from an A to G substitution at nucleotide position 3334. The threonine at codon 1112 is replaced by alanine, an amino acid with similar properties. This amino acid position is not well conserved in available vertebrate species. In addition, this alteration is predicted to be tolerated by in silico analysis. Based on the available evidence, the clinical significance of this variant remains unclear.